The following is an entry in ClinVar:

ClinVar aggregate classification (germline): Likely benign. Review status: criteria provided, single submitter (1 of 4 stars). 2 submissions from 2 submitters: Likely benign (1). 1 of the submissions does not count toward it. Last evaluated 2018-04-16.

Conditions:
SH2B1-related disorder. Also called: SH2B1-related condition.

Allele frequency attached by ClinVar (database versions not stated): TOPMed below 0.00001.
gnomAD v4.1: 20 of 1,604,732 alleles (0.0012%); highest among the groups gnomAD compares: East Asian, 0.0023%; no homozygotes.

Submissions (2):

Labcorp Genetics (formerly Invitae), Labcorp
Classification: Likely benign. Last evaluated: 2018-04-16. Review status: criteria provided, single submitter. Criteria: Invitae Variant Classification Sherloc (09022015). Collection method: clinical testing. Allele origin: germline.

PreventionGenetics, part of Exact Sciences
Classification: Likely benign for SH2B1-related condition. Last evaluated: 2024-03-22. Review status: no assertion criteria provided. Collection method: clinical testing. Allele origin: germline. Not counted in ClinVar's aggregate classification.
Comment: This variant is classified as likely benign based on ACMG/AMP sequence variant interpretation guidelines (Richards et al. 2015 PMID: 25741868, with internal and published modifications).

NM_001387430.1(SH2B1):c.1989G>A (p.Ala663=)

Gene: SH2B1 (SH2B adaptor protein 1; plus strand). Cytogenetic location: 16p11.2.
Variant type: single nucleotide variant.
Coding change: c.1989G>A on transcript NM_001387430.1 (MANE Select); coding-DNA position 1989, G replaced by A.
Protein change: p.Ala663=; no amino-acid change (alanine 663 retained).
Molecular consequence: synonymous variant. On other transcripts: 3 prime UTR variant (5).
Genome position (GRCh38, 1-based): chr16:28,873,538, G>A. VCF-style: chr16-28873538-G-A. GRCh37 (hg19) VCF-style: chr16-28884859-G-A.
Other names: c.1989G>A, p.Ala663= (NM_001145795.2, NM_001308293.2, NM_001387404.1); c.*73G>A (NM_001145796.2, NM_001145812.2, NM_001308294.2 and 1 more transcripts); c.*90G>A (NM_001145797.2).
Identifiers: ClinVar variation 740533 (VCV000740533.4), dbSNP rs539136007, ClinGen allele CA7986418.
Genomic context (GRCh38, chr16:28,873,538, plus strand): 5'-CCCTGAACCCCCTTCATGGACAGATCCCCCACAGCCTGGGGCAGAAGAGGCGTCGAGGGC[G>A]CCAGAAGTGGCGGCAGCAGCAGCCGCAGCAGCCAAAGAGAGGCAAGAGAAAGAGAAAGCG-3'
Protein context (NP_001374359.1, residues 653-673): PQPGAEEASR[Ala663=]PEVAAAAAAA